The following is an entry in ClinVar:

ClinVar aggregate classification (germline): Pathogenic/Likely pathogenic. Review status: criteria provided, multiple submitters, no conflicts (2 of 4 stars). 3 submissions from 3 submitters: Pathogenic (2); Likely pathogenic (1). Last evaluated 2024-07-08.

Conditions:
Hereditary cancer-predisposing syndrome. Also called: Neoplastic Syndromes, Hereditary; Tumor predisposition; Hereditary neoplastic syndrome; Hereditary Cancer Syndrome. Identifiers: Orphanet 140162, MedGen C0027672, MeSH D009386, MONDO:0015356.
Nijmegen breakage syndrome-like disorder (NBSLD). Also called: MICROCEPHALY AND SPONTANEOUS CHROMOSOME INSTABILITY WITHOUT IMMUNODEFICIENCY; NBS-LIKE DISORDER; RAD50 DEFICIENCY. Identifiers: Orphanet 240760, MedGen C2751318, MONDO:0013118, OMIM 613078.

Allele frequency attached by ClinVar (database versions not stated): gnomAD exomes below 0.00001.
gnomAD v4.1: 2 of 1,603,202 alleles (0.00012%); highest among the groups gnomAD compares: Non-Finnish European, 0.00017%; no homozygotes.

Submissions (3):

Labcorp Genetics (formerly Invitae), Labcorp
Classification: Pathogenic for Hereditary cancer-predisposing syndrome. Last evaluated: 2024-07-08. Review status: criteria provided, single submitter. Criteria: Invitae Variant Classification Sherloc (09022015). Collection method: clinical testing. Allele origin: germline.
Comment: This sequence change creates a premature translational stop signal (p.Glu47*) in the RAD50 gene. It is expected to result in an absent or disrupted protein product. Loss-of-function variants in RAD50 are known to be pathogenic (PMID: 19409520). This variant is not present in population databases (gnomAD no frequency). This variant has not been reported in the literature in individuals affected with RAD50-related conditions. ClinVar contains an entry for this variant (Variation ID: 1362564). For these reasons, this variant has been classified as Pathogenic.

Baylor Genetics
Classification: Likely pathogenic for Nijmegen breakage syndrome-like disorder. Last evaluated: 2023-04-20. Review status: criteria provided, single submitter. Criteria: ACMG Guidelines, 2015. Collection method: clinical testing. Allele origin: unknown.

Ambry Genetics
Classification: Pathogenic for Hereditary cancer-predisposing syndrome. Last evaluated: 2020-02-28. Review status: criteria provided, single submitter. Criteria: Ambry Variant Classification Scheme 2023. Collection method: clinical testing. Allele origin: germline.
Comment: The p.E47* pathogenic mutation (also known as c.139G>T), located in coding exon 2 of the RAD50 gene, results from a G to T substitution at nucleotide position 139. This changes the amino acid from a glutamic acid to a stop codon within coding exon 2. This alteration is expected to result in loss of function by premature protein truncation or nonsense-mediated mRNA decay. As such, this alteration is interpreted as a disease-causing mutation.

Literature cited by the submitters: PubMed 19409520 (cited by Labcorp Genetics (formerly Invitae), Labcorp).

NM_005732.4(RAD50):c.139G>T (p.Glu47Ter)

Gene: RAD50 (RAD50 double strand break repair protein; plus strand). Cytogenetic location: 5q31.1.
Variant type: single nucleotide variant.
Coding change: c.139G>T on transcript NM_005732.4 (MANE Select); coding-DNA position 139, G replaced by T.
Protein change: p.Glu47Ter; replaces glutamic acid 47 with a stop codon.
Molecular consequence: nonsense.
Genome position (GRCh38, 1-based): chr5:132,559,293, G>T. VCF-style: chr5-132559293-G-T. GRCh37 (hg19) VCF-style: chr5-131894985-G-T.
Other names: short protein forms E47*.
Identifiers: ClinVar variation 1362564 (VCV001362564.9), dbSNP rs1750077980, ClinGen allele CA360953207.